The following is an entry in ClinVar:

ClinVar aggregate classification (germline): Uncertain significance (1 of 4 stars; one submission).

Conditions:
Familial thoracic aortic aneurysm and aortic dissection (TAAD). Also called: Thoracic aortic aneurysms and dissections. Identifiers: Orphanet 91387, MedGen C4707243, MONDO:0019625.

Submission:

Color Diagnostics, LLC DBA Color Health
Classification: Uncertain significance for Familial thoracic aortic aneurysm and aortic dissection. Last evaluated: 2023-12-05. Review status: criteria provided, single submitter. Criteria: ACMG Guidelines, 2015. Collection method: clinical testing. Allele origin: germline.
Comment: This missense variant replaces tyrosine with histidine at codon 226 of the SMAD3 protein. Computational prediction tools and conservation analyses suggest that this variant may have deleterious impact on the protein function. Computational splicing tools suggest that this variant may not impact RNA splicing. To our knowledge, functional assays have not been performed for this variant nor has this variant been reported in individuals affected with cardiovascular disorders in the literature. This variant has not been identified in the general population by the Genome Aggregation Database (gnomAD). Available evidence is insufficient to determine the role of this variant in disease conclusively. Therefore, this variant is classified as a Variant of Uncertain Significance.

NM_005902.4(SMAD3):c.676T>C (p.Tyr226His)

Gene: SMAD3 (SMAD family member 3; plus strand). Cytogenetic location: 15q22.33.
Variant type: single nucleotide variant.
Coding change: c.676T>C on transcript NM_005902.4 (MANE Select); coding-DNA position 676, T replaced by C.
Protein change: p.Tyr226His; replaces tyrosine 226 with histidine.
Molecular consequence: missense variant.
Genome position (GRCh38, 1-based): chr15:67,181,258, T>C. VCF-style: chr15-67181258-T-C. GRCh37 (hg19) VCF-style: chr15-67473596-T-C.
Other names: c.361T>C, p.Tyr121His (NM_001145102.2); c.544T>C, p.Tyr182His (NM_001145103.2); c.91T>C, p.Tyr31His (NM_001145104.2); short protein forms Y226H, Y121H, Y182H, Y31H.
Identifiers: ClinVar variation 925497 (VCV000925497.5), dbSNP rs1963044923, ClinGen allele CA392955857.